The following is an entry in ClinVar:

ClinVar aggregate classification (germline): Uncertain significance (1 of 4 stars; one submission).

Submission:

Labcorp Genetics (formerly Invitae), Labcorp
Classification: Uncertain significance. Last evaluated: 2023-07-25. Review status: criteria provided, single submitter. Criteria: Invitae Variant Classification Sherloc (09022015). Collection method: clinical testing. Allele origin: germline.
Comment: In summary, the available evidence is currently insufficient to determine the role of this variant in disease. Therefore, it has been classified as a Variant of Uncertain Significance. Advanced modeling of protein sequence and biophysical properties (such as structural, functional, and spatial information, amino acid conservation, physicochemical variation, residue mobility, and thermodynamic stability) performed at Invitae indicates that this missense variant is not expected to disrupt MTOR protein function. This variant has not been reported in the literature in individuals affected with MTOR-related conditions. This variant is not present in population databases (gnomAD no frequency). This sequence change replaces glutamine, which is neutral and polar, with leucine, which is neutral and non-polar, at codon 1726 of the MTOR protein (p.Gln1726Leu).

NM_004958.4(MTOR):c.5177A>T (p.Gln1726Leu)

Gene: MTOR (mechanistic target of rapamycin kinase; minus strand). Cytogenetic location: 1p36.22.
Variant type: single nucleotide variant.
Coding change: c.5177A>T on transcript NM_004958.4 (MANE Select); coding-DNA position 5177, A replaced by T.
Protein change: p.Gln1726Leu; replaces glutamine 1726 with leucine.
Molecular consequence: missense variant.
Genome position (GRCh38, 1-based): chr1:11,134,420, T>A on the plus strand (A>T on the coding strand, the complement: MTOR is on the minus strand). VCF-style: chr1-11134420-T-A. GRCh37 (hg19) VCF-style: chr1-11194477-T-A.
Other names: c.5177A>T, p.Gln1726Leu (NM_001386500.1); c.3929A>T, p.Gln1310Leu (NM_001386501.1); short protein forms Q1310L, Q1726L.
Identifiers: ClinVar variation 2746323 (VCV002746323.3), dbSNP rs2522382081, ClinGen allele CA338400947.